The following is an entry in ClinVar:

NM_017617.5(NOTCH1):c.663C>T (p.Pro221=)

Gene: NOTCH1 (notch receptor 1; minus strand). Cytogenetic location: 9q34.3.
Variant type: single nucleotide variant.
Coding change: c.663C>T on transcript NM_017617.5 (MANE Select); coding-DNA position 663, C replaced by T.
Protein change: p.Pro221=; no amino-acid change (proline 221 retained).
Molecular consequence: synonymous variant.
Genome position (GRCh38, 1-based): chr9:136,522,929, G>A on the plus strand (C>T on the coding strand, the complement: NOTCH1 is on the minus strand). VCF-style: chr9-136522929-G-A. GRCh37 (hg19) VCF-style: chr9-139417381-G-A.
Other names: p.Pro221=; c.663C>T, p.Pro221= (LRG_1122t1); c.663C>T (NM_017617.4).
Identifiers: ClinVar variation 241162 (VCV000241162.24), dbSNP rs11574872, ClinGen allele CA5342106.

ClinVar aggregate classification (germline): Benign. Review status: criteria provided, multiple submitters, no conflicts (2 of 4 stars). 11 submissions from 10 submitters: Benign (11). Last evaluated 2026-01-29.

Conditions:
Adams-Oliver syndrome 5 (AOS5). Identifiers: Orphanet 974, MedGen C4014970, MONDO:0014459, OMIM 616028.
Aortic valve disease 1 (AOVD1). Identifiers: MedGen C3887892, MONDO:0024523, OMIM 109730.
Familial thoracic aortic aneurysm and aortic dissection (TAAD). Also called: Thoracic aortic aneurysms and dissections. Identifiers: Orphanet 91387, MedGen C4707243, MONDO:0019625.

Allele frequency attached by ClinVar (database versions not stated): gnomAD exomes 0.00066 and 0.00147; ExAC 0.00291; ESP Exome Variant Server 0.00369; gnomAD 0.00637 and 0.00685; 1000 Genomes Project 0.00639; 1000 Genomes Project 30x 0.00671; TOPMed 0.00736.

Submissions (11):

Labcorp Genetics (formerly Invitae), Labcorp
Classification: Benign for Adams-Oliver syndrome 5. Last evaluated: 2026-01-29. Review status: criteria provided, single submitter. Criteria: Invitae Variant Classification Sherloc (09022015). Collection method: clinical testing. Allele origin: germline.

ARUP Laboratories, Molecular Genetics and Genomics, ARUP Laboratories
Classification: Benign. Last evaluated: 2025-01-27. Review status: criteria provided, single submitter. Criteria: ARUP Molecular Germline Variant Investigation Process 2024. Collection method: clinical testing. Allele origin: germline.

Blueprint Genetics
Classification: Benign. Last evaluated: 2024-11-06. Review status: criteria provided, single submitter. Criteria: ACMG Guidelines, 2015. Collection method: clinical testing. Allele origin: germline.

Mayo Clinic Laboratories, Mayo Clinic
Classification: Benign. Last evaluated: 2023-08-15. Review status: criteria provided, single submitter. Criteria: ACMG Guidelines, 2015. Collection method: clinical testing. Allele origin: germline. Observed: 4 variant alleles.
Comment: BS1, BS2, BP4, BP7

Women's Health and Genetics/Laboratory Corporation of America, LabCorp
Classification: Benign. Last evaluated: 2023-07-21. Review status: criteria provided, single submitter. Criteria: LabCorp Variant Classification Summary - May 2015. Collection method: clinical testing. Allele origin: germline.

Genome-Nilou Lab
Classification: Benign for Adams-Oliver syndrome 5. Last evaluated: 2022-03-15. Review status: criteria provided, single submitter. Criteria: ACMG Guidelines, 2015. Collection method: clinical testing. Allele origin: germline. Affected: no.

Genome-Nilou Lab
Classification: Benign for Aortic valve disease 1. Last evaluated: 2022-03-15. Review status: criteria provided, single submitter. Criteria: ACMG Guidelines, 2015. Collection method: clinical testing. Allele origin: germline. Affected: no.

CHEO Genetics Diagnostic Laboratory, Children's Hospital of Eastern Ontario
Classification: Benign for Familial thoracic aortic aneurysm and aortic dissection. Last evaluated: 2017-09-19. Review status: criteria provided, single submitter. Criteria: ACMG Guidelines, 2015. Collection method: clinical testing. Allele origin: germline. Study: Canadian Open Genetics Repository.

GeneDx
Classification: Benign. Last evaluated: 2017-02-27. Review status: criteria provided, single submitter. Criteria: GeneDx Variant Classification (06012015). Collection method: clinical testing. Allele origin: germline. Affected: yes.
Comment: This variant is considered likely benign or benign based on one or more of the following criteria: it is a conservative change, it occurs at a poorly conserved position in the protein, it is predicted to be benign by multiple in silico algorithms, and/or has population frequency not consistent with disease.

Ambry Genetics
Classification: Benign for Familial thoracic aortic aneurysm and aortic dissection. Last evaluated: 2015-05-21. Review status: criteria provided, single submitter. Criteria: Ambry Variant Classification Scheme 2023. Collection method: clinical testing. Allele origin: germline.

Breakthrough Genomics
Classification: Benign. Review status: criteria provided, single submitter. Criteria: ACMG Guidelines, 2015. Collection method: not provided. Allele origin: germline. Inheritance: Autosomal dominant inheritance. Affected: yes.

Literature cited by the submitters: PubMed 24943832 (cited by Women's Health and Genetics/Laboratory Corporation of America, LabCorp); PubMed 16614245 (cited by Women's Health and Genetics/Laboratory Corporation of America, LabCorp); PubMed 21670202 (cited by Women's Health and Genetics/Laboratory Corporation of America, LabCorp); PubMed 22210878 (cited by Women's Health and Genetics/Laboratory Corporation of America, LabCorp); PubMed 19635999 (cited by Women's Health and Genetics/Laboratory Corporation of America, LabCorp); PubMed 26837699 (cited by Women's Health and Genetics/Laboratory Corporation of America, LabCorp); PubMed 23086750 (cited by Women's Health and Genetics/Laboratory Corporation of America, LabCorp); PubMed 19245433 (cited by Women's Health and Genetics/Laboratory Corporation of America, LabCorp); PubMed 22077063 (cited by Women's Health and Genetics/Laboratory Corporation of America, LabCorp); PubMed 15472075 (cited by Women's Health and Genetics/Laboratory Corporation of America, LabCorp); PubMed 23734977 (cited by Women's Health and Genetics/Laboratory Corporation of America, LabCorp); PubMed 22858860 (cited by Women's Health and Genetics/Laboratory Corporation of America, LabCorp).